The following is an entry in ClinVar:

ClinVar aggregate classification (germline): Uncertain significance (1 of 4 stars; one submission).

Conditions:
Gastrointestinal stromal tumor. Also called: Gastrointestinal stromal tumor, somatic; Gastrointestinal stroma tumor. Identifiers: Orphanet 44890, MedGen C0238198, MeSH D046152, MONDO:0011719, OMIM 606764, HP:0100723.

gnomAD v4.1: 2 of 1,614,034 alleles (0.00012%); highest among the groups gnomAD compares: Non-Finnish European, 0.000085%; no homozygotes.

Submission:

Labcorp Genetics (formerly Invitae), Labcorp
Classification: Uncertain significance for Gastrointestinal stromal tumor. Last evaluated: 2022-01-27. Review status: criteria provided, single submitter. Criteria: Invitae Variant Classification Sherloc (09022015). Collection method: clinical testing. Allele origin: germline.
Comment: In summary, the available evidence is currently insufficient to determine the role of this variant in disease. Therefore, it has been classified as a Variant of Uncertain Significance. Algorithms developed to predict the effect of missense changes on protein structure and function (SIFT, PolyPhen-2, Align-GVGD) all suggest that this variant is likely to be tolerated. ClinVar contains an entry for this variant (Variation ID: 661796). This variant has not been reported in the literature in individuals affected with KIT-related conditions. This variant is not present in population databases (gnomAD no frequency). This sequence change replaces alanine, which is neutral and non-polar, with serine, which is neutral and polar, at codon 964 of the KIT protein (p.Ala964Ser).

NM_000222.3(KIT):c.2890G>T (p.Ala964Ser)

Gene: KIT (KIT proto-oncogene, receptor tyrosine kinase; plus strand). Cytogenetic location: 4q12.
Variant type: single nucleotide variant.
Coding change: c.2890G>T on transcript NM_000222.3 (MANE Select); coding-DNA position 2890, G replaced by T.
Protein change: p.Ala964Ser; replaces alanine 964 with serine.
Molecular consequence: missense variant.
Genome position (GRCh38, 1-based): chr4:54,738,516, G>T. VCF-style: chr4-54738516-G-T. GRCh37 (hg19) VCF-style: chr4-55604682-G-T.
Other names: c.2878G>T, p.Ala960Ser (NM_001093772.2, NM_001385292.1); c.2893G>T, p.Ala965Ser (NM_001385284.1); c.2887G>T, p.Ala963Ser (NM_001385285.1); c.2875G>T, p.Ala959Ser (NM_001385286.1); c.2881G>T, p.Ala961Ser (NM_001385288.1); c.2890G>T, p.Ala964Ser (NM_001385290.1); short protein forms A960S, A964S, A959S, A961S, A963S, A965S.
Identifiers: ClinVar variation 661796 (VCV000661796.9), dbSNP rs766845123, ClinGen allele CA356916457.